The following is an entry in ClinVar:

ClinVar aggregate classification (germline): Conflicting classifications of pathogenicity. Review status: criteria provided, conflicting classifications (1 of 4 stars). 7 submissions from 7 submitters: Uncertain significance (3); Benign (2); Likely benign (2). Last evaluated 2025-12-02.

Conditions:
Hereditary spastic paraplegia 8 (SPG8). Also called: SPASTIC PARAPLEGIA 8, AUTOSOMAL DOMINANT. Identifiers: Orphanet 100989, MedGen C1863704, MONDO:0011339, OMIM 603563.
Ritscher-Schinzel syndrome. Also called: CRANIOCEREBELLOCARDIAC DYSPLASIA. Identifiers: Orphanet 7, MedGen C0796137, MONDO:0019078.

Allele frequency attached by ClinVar (database versions not stated): 1000 Genomes Project 0.00020; 1000 Genomes Project 30x 0.00031; TOPMed 0.00081; gnomAD 0.00095 and 0.00098; gnomAD exomes 0.00108 and 0.00114; ExAC 0.00122; ESP Exome Variant Server 0.00154.
gnomAD v4.1: 1,796 of 1,613,926 alleles (0.11%); highest among the groups gnomAD compares: Non-Finnish European, 0.13%; 2 homozygotes.

Submissions (7):

Mayo Clinic Laboratories, Mayo Clinic
Classification: Uncertain significance. Last evaluated: 2025-12-02. Review status: criteria provided, single submitter. Criteria: ACMG Guidelines, 2015. Collection method: clinical testing. Allele origin: germline. Observed: 6 variant alleles.
Comment: BS1, PP3_moderate

Labcorp Genetics (formerly Invitae), Labcorp
Classification: Likely benign for Ritscher-Schinzel syndrome; Hereditary spastic paraplegia 8. Last evaluated: 2025-11-05. Review status: criteria provided, single submitter. Criteria: Invitae Variant Classification Sherloc (09022015). Collection method: clinical testing. Allele origin: germline.

Blueprint Genetics
Classification: Likely benign. Last evaluated: 2024-11-21. Review status: criteria provided, single submitter. Criteria: ACMG Guidelines, 2015. Collection method: clinical testing. Allele origin: germline.

CeGaT Center for Human Genetics Tuebingen
Classification: Uncertain significance. Last evaluated: 2024-10-01. Review status: criteria provided, single submitter. Criteria: CeGaT Center For Human Genetics Tuebingen Variant Classification Criteria Version 2. Collection method: clinical testing. Allele origin: germline. Affected: yes. Observed: 4 variant alleles.
Comment: WASHC5: PP3

Athena Diagnostics
Classification: Benign. Last evaluated: 2020-11-25. Review status: criteria provided, single submitter. Criteria: Athena Diagnostics criteria. Collection method: clinical testing. Allele origin: unknown.

Illumina Laboratory Services, Illumina
Classification: Benign for Hereditary spastic paraplegia 8. Last evaluated: 2018-01-13. Review status: criteria provided, single submitter. Criteria: ICSL Variant Classification Criteria 13 December 2019. Collection method: clinical testing. Allele origin: germline.
Comment: This variant was observed in the ICSL laboratory as part of a predisposition screen in an ostensibly healthy population. It had not been previously curated by ICSL or reported in the Human Gene Mutation Database (HGMD: prior to June 1st, 2018), and was therefore a candidate for classification through an automated scoring system. Utilizing variant allele frequency, disease prevalence and penetrance estimates, and inheritance mode, an automated score was calculated to assess if this variant is too frequent to cause the disease. Based on the score and internal cut-off values, a variant classified as benign is not then subjected to further curation. The score for this variant resulted in a classification of benign for this disease.

GeneDx
Classification: Uncertain significance. Last evaluated: 2017-06-21. Review status: criteria provided, single submitter. Criteria: GeneDx Variant Classification (06012015). Collection method: clinical testing. Allele origin: germline. Affected: yes.
Comment: A variant of uncertain significance has been identified in the KIAA0196 gene. The P216L variant has not been published as a pathogenic variant, nor has it been reported as a benign variant to our knowledge. The P216L variant is observed in 29/6612 (0.4%) alleles from individuals of European Finnish background and in 113/66722 (0.2%) alleles from individuals of European non-Finnish background (Lek et al., 2016; 1000 Genomes Consortium et al., 2015; Exome Variant Server). The P216L variant is a semi-conservative amino acid substitution, which may impact secondary protein structure as these residues differ in some properties. This substitution occurs at a position that is conserved across species, and in silico analysis predicts this variant is probably damaging to the protein structure/function. Therefore, based on the currently available information, it is unclear whether this variant is a pathogenic variant or a rare benign variant.

Literature cited by the submitters: PubMed 30778698 (cited by Mayo Clinic Laboratories, Mayo Clinic and Athena Diagnostics).

NM_014846.4(WASHC5):c.647C>T (p.Pro216Leu)

Gene: WASHC5 (WASH complex subunit 5; minus strand). Cytogenetic location: 8q24.13.
Variant type: single nucleotide variant.
Coding change: c.647C>T on transcript NM_014846.4 (MANE Select); coding-DNA position 647, C replaced by T.
Protein change: p.Pro216Leu; replaces proline 216 with leucine.
Molecular consequence: missense variant.
Genome position (GRCh38, 1-based): chr8:125,078,802, G>A on the plus strand (C>T on the coding strand, the complement: WASHC5 is on the minus strand). VCF-style: chr8-125078802-G-A. GRCh37 (hg19) VCF-style: chr8-126091044-G-A.
Other names: c.203C>T, p.Pro68Leu (NM_001330609.2); short protein forms P216L, P68L.
Identifiers: ClinVar variation 431857 (VCV000431857.49), dbSNP rs72720524, ClinGen allele CA4874059.